The following is an entry in ClinVar:

ClinVar aggregate classification (germline): Uncertain significance (1 of 4 stars; one submission).

Allele frequency attached by ClinVar (database versions not stated): gnomAD 0.00001.
gnomAD v4.1: 11 of 1,613,996 alleles (0.00068%); highest among the groups gnomAD compares: South Asian, 0.0022%; no homozygotes.

Submission:

Labcorp Genetics (formerly Invitae), Labcorp
Classification: Uncertain significance. Last evaluated: 2025-03-17. Review status: criteria provided, single submitter. Criteria: Invitae Variant Classification Sherloc (09022015). Collection method: clinical testing. Allele origin: germline.
Comment: This sequence change replaces arginine, which is basic and polar, with glutamine, which is neutral and polar, at codon 1446 of the ARID1A protein (p.Arg1446Gln). This variant is not present in population databases (gnomAD no frequency). This variant has not been reported in the literature in individuals affected with ARID1A-related conditions. ClinVar contains an entry for this variant (Variation ID: 2798953). Invitae Evidence Modeling of protein sequence and biophysical properties (such as structural, functional, and spatial information, amino acid conservation, physicochemical variation, residue mobility, and thermodynamic stability) indicates that this missense variant is not expected to disrupt ARID1A protein function with a negative predictive value of 80%. In summary, the available evidence is currently insufficient to determine the role of this variant in disease. Therefore, it has been classified as a Variant of Uncertain Significance.

NM_006015.6(ARID1A):c.4337G>A (p.Arg1446Gln)

Gene: ARID1A (AT-rich interaction domain 1A; plus strand). Cytogenetic location: 1p36.11.
Variant type: single nucleotide variant.
Coding change: c.4337G>A on transcript NM_006015.6 (MANE Select); coding-DNA position 4337, G replaced by A.
Protein change: p.Arg1446Gln; replaces arginine 1446 with glutamine.
Molecular consequence: missense variant. On other transcripts: intron variant (1).
Genome position (GRCh38, 1-based): chr1:26,774,564, G>A. VCF-style: chr1-26774564-G-A. GRCh37 (hg19) VCF-style: chr1-27101055-G-A.
Other names: c.4102-416G>A (NM_139135.4); short protein forms R1446Q.
Identifiers: ClinVar variation 2798953 (VCV002798953.3), dbSNP rs772939817, ClinGen allele CA339174658.